The following is an entry in ClinVar:

NM_014363.6(SACS):c.2918C>G (p.Ala973Gly)

Gene: SACS (sacsin molecular chaperone; minus strand). Cytogenetic location: 13q12.12.
Variant type: single nucleotide variant.
Coding change: c.2918C>G on transcript NM_014363.6 (MANE Select); coding-DNA position 2918, C replaced by G.
Protein change: p.Ala973Gly; replaces alanine 973 with glycine.
Molecular consequence: missense variant.
Genome position (GRCh38, 1-based): chr13:23,340,958, G>C on the plus strand (C>G on the coding strand, the complement: SACS is on the minus strand). VCF-style: chr13-23340958-G-C. GRCh37 (hg19) VCF-style: chr13-23915097-G-C.
Other names: c.2477C>G, p.Ala826Gly (NM_001278055.2); short protein forms A826G, A973G.
Identifiers: ClinVar variation 2776635 (VCV002776635.4), dbSNP rs779638983, ClinGen allele CA6911594.
Genomic context (GRCh38, chr13:23,340,958, plus strand): 5'-TTTAAGCAGCTAGTGGTCTTTAACTGTTCTATTTTCAACATGTTTGCCAGACGAATAGTA[G>C]CTTCATCACTACTGTCTATTACTGAAATAGAAAGTCGCAGATCTGCTGGGAGTTTGGCAG-3'
Protein context (NP_055178.3, residues 963-983): SISVIDSSDE[Ala973Gly]TIRLANMLKI

ClinVar aggregate classification (germline): Conflicting classifications of pathogenicity. Review status: criteria provided, conflicting classifications (1 of 4 stars). 2 submissions from 2 submitters: Uncertain significance (1); Likely benign (1). Last evaluated 2026-08-01.

Conditions:
Spastic paraplegia. Identifiers: MedGen C0037772, HP:0001258.

Allele frequency attached by ClinVar (database versions not stated): gnomAD exomes below 0.00001; ExAC 0.00001.
gnomAD v4.1: 5 of 1,614,040 alleles (0.00031%); highest among the groups gnomAD compares: South Asian, 0.0044%; no homozygotes.

Submissions (2):

CeGaT Center for Human Genetics Tuebingen
Classification: Uncertain significance. Last evaluated: 2026-08-01. Review status: criteria provided, single submitter. Criteria: CeGaT Center For Human Genetics Tuebingen Variant Classification Criteria Version 2. Collection method: clinical testing. Allele origin: germline. Affected: yes. Observed: 1 variant allele.
Comment: SACS: PM2, BP4

Labcorp Genetics (formerly Invitae), Labcorp
Classification: Likely benign for Spastic paraplegia. Last evaluated: 2024-08-10. Review status: criteria provided, single submitter. Criteria: Invitae Variant Classification Sherloc (09022015). Collection method: clinical testing. Allele origin: germline.